The following is an entry in ClinVar:

ClinVar aggregate classification (germline): Uncertain significance (1 of 4 stars; one submission).

Submission:

Labcorp Genetics (formerly Invitae), Labcorp
Classification: Uncertain significance. Last evaluated: 2025-07-27. Review status: criteria provided, single submitter. Criteria: Invitae Variant Classification Sherloc (09022015). Collection method: clinical testing. Allele origin: germline.
Comment: This sequence change replaces phenylalanine, which is neutral and non-polar, with leucine, which is neutral and non-polar, at codon 1295 of the WHSC1 protein (p.Phe1295Leu). This variant is not present in population databases (gnomAD no frequency). This variant has not been reported in the literature in individuals affected with WHSC1-related conditions. Invitae Evidence Modeling of protein sequence and biophysical properties (such as structural, functional, and spatial information, amino acid conservation, physicochemical variation, residue mobility, and thermodynamic stability) indicates that this missense variant is not expected to disrupt WHSC1 protein function with a negative predictive value of 80%. In summary, the available evidence is currently insufficient to determine the role of this variant in disease. Therefore, it has been classified as a Variant of Uncertain Significance.

NM_001042424.3(NSD2):c.3885T>G (p.Phe1295Leu)

Gene: NSD2 (nuclear receptor binding SET domain protein 2; plus strand). Cytogenetic location: 4p16.3.
Variant type: single nucleotide variant.
Coding change: c.3885T>G on transcript NM_001042424.3 (MANE Select); coding-DNA position 3885, T replaced by G.
Protein change: p.Phe1295Leu; replaces phenylalanine 1295 with leucine.
Molecular consequence: missense variant.
Genome position (GRCh38, 1-based): chr4:1,978,696, T>G. VCF-style: chr4-1978696-T-G. GRCh37 (hg19) VCF-style: chr4-1980423-T-G.
Other names: c.3885T>G, p.Phe1295Leu (NM_001440892.1, NM_133330.3, NM_133331.3 and 1 more transcripts); c.3984T>G, p.Phe1328Leu (NM_001440893.1); c.3768T>G, p.Phe1256Leu (NM_001440894.1); c.3738T>G, p.Phe1246Leu (NM_001440895.1); c.3684T>G, p.Phe1228Leu (NM_001440896.1); c.3678T>G, p.Phe1226Leu (NM_001440897.1); c.3561T>G, p.Phe1187Leu (NM_001440898.1); c.2916T>G, p.Phe972Leu (NM_001440899.1, NM_001440900.1); short protein forms F1187L, F1228L, F1246L, F1226L, F1328L, F1256L, F972L, F1295L.
Identifiers: ClinVar variation 4781407 (VCV004781407.1).